The following is an entry in ClinVar:

NM_006005.3(WFS1):c.1186A>C (p.Asn396His)

Gene: WFS1 (wolframin ER transmembrane glycoprotein; plus strand). Cytogenetic location: 4p16.1.
Variant type: single nucleotide variant.
Coding change: c.1186A>C on transcript NM_006005.3 (MANE Select); coding-DNA position 1186, A replaced by C.
Protein change: p.Asn396His; replaces asparagine 396 with histidine.
Molecular consequence: missense variant.
Genome position (GRCh38, 1-based): chr4:6,300,981, A>C. VCF-style: chr4-6300981-A-C. GRCh37 (hg19) VCF-style: chr4-6302708-A-C.
Other names: c.1186A>C, p.Asn396His (NM_001145853.1); short protein forms N396H.
Identifiers: ClinVar variation 3664951 (VCV003664951.2).

ClinVar aggregate classification (germline): Uncertain significance (1 of 4 stars; one submission).

Submission:

Labcorp Genetics (formerly Invitae), Labcorp
Classification: Uncertain significance. Last evaluated: 2025-01-15. Review status: criteria provided, single submitter. Criteria: Invitae Variant Classification Sherloc (09022015). Collection method: clinical testing. Allele origin: germline.
Comment: This sequence change replaces asparagine, which is neutral and polar, with histidine, which is basic and polar, at codon 396 of the WFS1 protein (p.Asn396His). This variant is not present in population databases (gnomAD no frequency). This variant has not been reported in the literature in individuals affected with WFS1-related conditions. Invitae Evidence Modeling of protein sequence and biophysical properties (such as structural, functional, and spatial information, amino acid conservation, physicochemical variation, residue mobility, and thermodynamic stability) has been performed for this missense variant. However, the output from this modeling did not meet the statistical confidence thresholds required to predict the impact of this variant on WFS1 protein function. In summary, the available evidence is currently insufficient to determine the role of this variant in disease. Therefore, it has been classified as a Variant of Uncertain Significance.